The following is an entry in ClinVar:

ClinVar aggregate classification (germline): Uncertain significance (1 of 4 stars; one submission).

Conditions:
Combined oxidative phosphorylation deficiency. Identifiers: MedGen C4540031, MONDO:0000732.
Charcot-Marie-Tooth Neuropathy X. Identifiers: MedGen CN118851.

Submission:

Labcorp Genetics (formerly Invitae), Labcorp
Classification: Uncertain significance for Charcot-Marie-Tooth Neuropathy X; Combined oxidative phosphorylation deficiency. Last evaluated: 2025-02-25. Review status: criteria provided, single submitter. Criteria: Invitae Variant Classification Sherloc (09022015). Collection method: clinical testing. Allele origin: germline.
Comment: This sequence change replaces leucine, which is neutral and non-polar, with phenylalanine, which is neutral and non-polar, at codon 380 of the AIFM1 protein (p.Leu380Phe). This variant is not present in population databases (gnomAD no frequency). This variant has not been reported in the literature in individuals affected with AIFM1-related conditions. Invitae Evidence Modeling of protein sequence and biophysical properties (such as structural, functional, and spatial information, amino acid conservation, physicochemical variation, residue mobility, and thermodynamic stability) indicates that this missense variant is not expected to disrupt AIFM1 protein function with a negative predictive value of 80%. In summary, the available evidence is currently insufficient to determine the role of this variant in disease. Therefore, it has been classified as a Variant of Uncertain Significance.

NM_004208.4(AIFM1):c.1138C>T (p.Leu380Phe)

Genes: AIFM1 (apoptosis inducing factor mitochondria associated 1; minus strand), RAB33A (RAB33A, member RAS oncogene family; plus strand). Cytogenetic location: Xq26.1.
Variant type: single nucleotide variant.
Coding change: c.1138C>T on transcript NM_004208.4 (MANE Select); coding-DNA position 1138, C replaced by T.
Protein change: p.Leu380Phe; replaces leucine 380 with phenylalanine.
Molecular consequence: missense variant. On other transcripts: non-coding transcript variant (1), 3 prime UTR variant (1).
Genome position (GRCh38, 1-based): chrX:130,136,669, G>A on the plus strand (C>T on the coding strand, the complement: AIFM1 is on the minus strand). VCF-style: chrX-130136669-G-A. GRCh37 (hg19) VCF-style: chrX-129270644-G-A.
Other names: c.121C>T, p.Leu41Phe (NM_001130846.4); c.*366C>T (NM_001130847.4); c.1126C>T, p.Leu376Phe (NM_145812.3); short protein forms L376F, L380F, L41F.
Identifiers: ClinVar variation 4782887 (VCV004782887.1).